The following is an entry in ClinVar:

ClinVar aggregate classification (germline): Conflicting classifications of pathogenicity. Review status: criteria provided, conflicting classifications (1 of 4 stars). 3 submissions from 3 submitters: Likely pathogenic (2); Uncertain significance (1). Last evaluated 2026-01-12.

Conditions:
RLBP1-related disorder. Also called: RLBP1-related disorders; RLBP1-related condition. Identifiers: MedGen CN239413.

Allele frequency attached by ClinVar (database versions not stated): TOPMed below 0.00001; ExAC 0.00002; gnomAD 0.00002; gnomAD exomes 0.00002.
gnomAD v4.1: 36 of 1,614,120 alleles (0.0022%); highest among the groups gnomAD compares: Non-Finnish European, 0.0028%; no homozygotes.

Submissions (3):

Labcorp Genetics (formerly Invitae), Labcorp
Classification: Likely pathogenic. Last evaluated: 2026-01-12. Review status: criteria provided, single submitter. Criteria: Invitae Variant Classification Sherloc (09022015). Collection method: clinical testing. Allele origin: germline.
Comment: This sequence change replaces glycine, which is neutral and non-polar, with aspartic acid, which is acidic and polar, at codon 298 of the RLBP1 protein (p.Gly298Asp). This variant is present in population databases (rs777120727, gnomAD 0.004%). This missense change has been observed in individuals with inherited retinal dystrophy (PMID: 22559933, 25429852). ClinVar contains an entry for this variant (Variation ID: 1478943). Invitae Evidence Modeling of protein sequence and biophysical properties (such as structural, functional, and spatial information, amino acid conservation, physicochemical variation, residue mobility, and thermodynamic stability) indicates that this missense variant is expected to disrupt RLBP1 protein function with a positive predictive value of 95%. In summary, the currently available evidence indicates that the variant is pathogenic, but additional data are needed to prove that conclusively. Therefore, this variant has been classified as Likely Pathogenic.

PreventionGenetics, part of Exact Sciences
Classification: Likely pathogenic for RLBP1-related condition. Last evaluated: 2025-04-07. Review status: criteria provided, single submitter. Criteria: ACMG Guidelines, 2015. Collection method: clinical testing. Allele origin: germline.
Comment: The RLBP1 c.893G>A variant is predicted to result in the amino acid substitution p.Gly298Asp. This variant has been reported in the homozygous state and in the heterozygous state along with a nonsense RLBP1 variant in individuals with retinitis punctata albescens or unspecified retinal disease (Littink et al. 2012. PubMed ID: 22559933; Hipp et al. 2014. PubMed ID: 25429852; Table S1, Weisschuh et al. 2020. PubMed ID: 32531858). This variant is present in 0.0040% of alleles in individuals of African descent in gnomAD. This variant is interpreted as likely pathogenic.

Women's Health and Genetics/Laboratory Corporation of America, LabCorp
Classification: Uncertain significance. Last evaluated: 2024-12-02. Review status: criteria provided, single submitter. Criteria: LabCorp Variant Classification Summary - May 2015. Collection method: clinical testing. Allele origin: germline.
Comment: Variant summary: RLBP1 c.893G>A (p.Gly298Asp) results in a non-conservative amino acid change in the encoded protein sequence. Four of five in-silico tools predict a damaging effect of the variant on protein function. The variant allele was found at a frequency of 2e-05 in 251280 control chromosomes (gnomAD). c.893G>A has been reported in the literature in a homozygous individual affected with fundus albipunctatus and retinal dystrophy (Littink_2012), as well as a heterozygous individual affected with retinitis pigmentosa who also had a nonsense variant without confirmation of phase (Hipp_2015). These data indicate that the variant may be associated with disease. To our knowledge, no experimental evidence demonstrating an impact on protein function has been reported. The following publications have been ascertained in the context of this evaluation (PMID: 22559933, 25429852). ClinVar contains an entry for this variant (Variation ID: 1478943). Based on the evidence outlined above, the variant was classified as VUS-possibly pathogenic.

Literature cited by the submitters: PubMed 22559933 (cited by Labcorp Genetics (formerly Invitae), Labcorp and Women's Health and Genetics/Laboratory Corporation of America, LabCorp); PubMed 25429852 (cited by Labcorp Genetics (formerly Invitae), Labcorp and Women's Health and Genetics/Laboratory Corporation of America, LabCorp).

NM_000326.5(RLBP1):c.893G>A (p.Gly298Asp)

Gene: RLBP1 (retinaldehyde binding protein 1; minus strand). Cytogenetic location: 15q26.1.
Variant type: single nucleotide variant.
Coding change: c.893G>A on transcript NM_000326.5 (MANE Select); coding-DNA position 893, G replaced by A.
Protein change: p.Gly298Asp; replaces glycine 298 with aspartic acid.
Molecular consequence: missense variant.
Genome position (GRCh38, 1-based): chr15:89,210,346, C>T on the plus strand (G>A on the coding strand, the complement: RLBP1 is on the minus strand). VCF-style: chr15-89210346-C-T. GRCh37 (hg19) VCF-style: chr15-89753577-C-T.
Other names: c.893G>A (NM_000326.4); short protein forms G298D.
Identifiers: ClinVar variation 1478943 (VCV001478943.8), dbSNP rs777120727, ClinGen allele CA7722151.